The following is an entry in ClinVar:

ClinVar aggregate classification (germline): Conflicting classifications of pathogenicity. Review status: criteria provided, conflicting classifications (1 of 4 stars). 7 submissions from 7 submitters: Uncertain significance (5); Benign (1); Likely benign (1). Last evaluated 2025-12-13.

Conditions:
TSC2-related disorder. Also called: TSC2-Related Disorders; TSC2-related condition.
Hereditary cancer-predisposing syndrome. Also called: Tumor predisposition; Hereditary neoplastic syndrome; Neoplastic Syndromes, Hereditary; Hereditary Cancer Syndrome. Identifiers: Orphanet 140162, MedGen C0027672, MeSH D009386, MONDO:0015356.
Tuberous sclerosis syndrome (TSC). Also called: Tuberous Sclerosis Complex; Tuberous sclerosis. Identifiers: Orphanet 805, MedGen C0041341, MONDO:0001734.
Tuberous sclerosis 2 (TSC2). Identifiers: Orphanet 805, MedGen C1860707, MONDO:0013199, OMIM 613254.

Allele frequency attached by ClinVar (database versions not stated): TOPMed below 0.00001; ExAC 0.00001; gnomAD exomes 0.00001 and 0.00002.
gnomAD v4.1: 14 of 1,613,020 alleles (0.00087%); highest among the groups gnomAD compares: Admixed American, 0.0017%; no homozygotes.

Submissions (7):

Labcorp Genetics (formerly Invitae), Labcorp
Classification: Benign for Tuberous sclerosis 2. Last evaluated: 2025-12-13. Review status: criteria provided, single submitter. Criteria: Invitae Variant Classification Sherloc (09022015). Collection method: clinical testing. Allele origin: germline.

Color Diagnostics, LLC DBA Color Health
Classification: Uncertain significance for Tuberous sclerosis syndrome. Last evaluated: 2025-10-01. Review status: criteria provided, single submitter. Criteria: ACMG Guidelines, 2015. Collection method: clinical testing. Allele origin: germline.
Comment: This missense variant replaces proline with leucine at codon 1162 of the TSC2 protein. Computational prediction suggests that this variant may not impact protein structure and function. To our knowledge, functional studies have not been reported for this variant. This variant has not been reported in individuals affected with TSC2-related disorders in the literature. This variant has been identified in 14/1460634 chromosomes in the general population by the Genome Aggregation Database (gnomAD). The available evidence is insufficient to determine the role of this variant in disease conclusively. Therefore, this variant is classified as a Variant of Uncertain Significance.

PreventionGenetics, part of Exact Sciences
Classification: Uncertain significance for TSC2-related condition. Last evaluated: 2025-09-26. Review status: criteria provided, single submitter. Criteria: ACMG Guidelines, 2015. Collection method: clinical testing. Allele origin: germline.
Comment: The TSC2 c.3485C>T variant is predicted to result in the amino acid substitution p.Pro1162Leu. To our knowledge, this variant has not been reported in the literature. This variant is reported in 0.0029% of alleles in individuals of Latino descent in gnomAD and has conflicting interpretations regarding its pathogenicity in ClinVar, ranging from benign to uncertain (Variation ID: 450949). Although we suspect that this variant may be benign, at this time, the clinical significance of this variant is uncertain due to the absence of conclusive functional and genetic evidence.

Ambry Genetics
Classification: Uncertain significance for Hereditary cancer-predisposing syndrome. Last evaluated: 2024-05-09. Review status: criteria provided, single submitter. Criteria: Ambry Variant Classification Scheme 2023. Collection method: clinical testing. Allele origin: germline.
Comment: The p.P1162L variant (also known as c.3485C>T), located in coding exon 29 of the TSC2 gene, results from a C to T substitution at nucleotide position 3485. The proline at codon 1162 is replaced by leucine, an amino acid with similar properties. This amino acid position is not well conserved in available vertebrate species, and leucine is the reference amino acid in other vertebrate species. In addition, the in silico prediction for this alteration is inconclusive. Since supporting evidence is limited at this time, the clinical significance of this alteration remains unclear.

All of Us Research Program, National Institutes of Health
Classification: Uncertain significance for Tuberous sclerosis syndrome. Last evaluated: 2023-10-02. Review status: criteria provided, single submitter. Criteria: ACMG Guidelines, 2015. Collection method: clinical testing. Allele origin: germline. Inheritance: Autosomal dominant inheritance. Observed: 1 variant allele, 1 heterozygote.
Comment: This missense variant replaces proline with leucine at codon 1162 of the TSC2 protein. Computational prediction suggests that this variant may not impact protein structure and function (internally defined REVEL score threshold <= 0.5, PMID: 27666373). To our knowledge, functional studies have not been reported for this variant. This variant has not been reported in individuals affected with TSC2-related disorders in the literature. This variant has been identified in 4/250222 chromosomes in the general population by the Genome Aggregation Database (gnomAD). The available evidence is insufficient to determine the role of this variant in disease conclusively. Therefore, this variant is classified as a Variant of Uncertain Significance.

This study involves interpretation of variants in research participants for the purpose of population health screening. Participant phenotype was not available at the time of variant classification. Additional details can be found in publication PMID: 35346344, PMCID: PMC8962531

GeneDx
Classification: Uncertain significance. Last evaluated: 2022-09-30. Review status: criteria provided, single submitter. Criteria: GeneDx Variant Classification Process June 2021. Collection method: clinical testing. Allele origin: germline. Affected: yes.
Comment: In silico analysis supports that this missense variant has a deleterious effect on protein structure/function; Has not been previously published as pathogenic or benign to our knowledge

Genome-Nilou Lab
Classification: Likely benign for Tuberous sclerosis 2. Last evaluated: 2021-11-07. Review status: criteria provided, single submitter. Criteria: ACMG Guidelines, 2015. Collection method: clinical testing. Allele origin: germline. Affected: no.

NM_000548.5(TSC2):c.3485C>T (p.Pro1162Leu)

Gene: TSC2 (TSC complex subunit 2; plus strand). Cytogenetic location: 16p13.3.
Variant type: single nucleotide variant.
Coding change: c.3485C>T on transcript NM_000548.5 (MANE Select); coding-DNA position 3485, C replaced by T.
Protein change: p.Pro1162Leu; replaces proline 1162 with leucine.
Molecular consequence: missense variant.
Genome position (GRCh38, 1-based): chr16:2,080,252, C>T. VCF-style: chr16-2080252-C-T. GRCh37 (hg19) VCF-style: chr16-2130253-C-T.
Other names: c.3485C>T (NM_000548.4); c.3353C>T, p.Pro1118Leu (NM_001077183.3, NM_001370404.1); c.3485C>T, p.Pro1162Leu (NM_001114382.3); c.3245C>T, p.Pro1082Leu (NM_001318827.2); c.3209C>T, p.Pro1070Leu (NM_001318829.2); c.2753C>T, p.Pro918Leu (NM_001318831.2); c.3386C>T, p.Pro1129Leu (NM_001318832.2); c.3356C>T, p.Pro1119Leu (NM_001363528.2, NM_001370405.1, NM_021055.3); short protein forms P1162L, P1082L, P1070L, P1118L, P1119L, P1129L, P918L.
Identifiers: ClinVar variation 450949 (VCV000450949.23), dbSNP rs778069675, ClinGen allele CA047132.